The following is an entry in ClinVar:

ClinVar aggregate classification (germline): Uncertain significance (1 of 4 stars; one submission).

Submission:

Labcorp Genetics (formerly Invitae), Labcorp
Classification: Uncertain significance. Last evaluated: 2023-06-29. Review status: criteria provided, single submitter. Criteria: Invitae Variant Classification Sherloc (09022015). Collection method: clinical testing. Allele origin: germline.
Comment: This sequence change replaces glutamic acid, which is acidic and polar, with lysine, which is basic and polar, at codon 1168 of the MAGEL2 protein (p.Glu1168Lys). This variant is not present in population databases (gnomAD no frequency). This variant has not been reported in the literature in individuals affected with MAGEL2-related conditions. Advanced modeling of protein sequence and biophysical properties (such as structural, functional, and spatial information, amino acid conservation, physicochemical variation, residue mobility, and thermodynamic stability) has been performed at Invitae for this missense variant, however the output from this modeling did not meet the statistical confidence thresholds required to predict the impact of this variant on MAGEL2 protein function. In summary, the available evidence is currently insufficient to determine the role of this variant in disease. Therefore, it has been classified as a Variant of Uncertain Significance.

NM_019066.5(MAGEL2):c.3502G>A (p.Glu1168Lys)

Gene: MAGEL2 (MAGE family member L2; minus strand). Cytogenetic location: 15q11.2.
Variant type: single nucleotide variant.
Coding change: c.3502G>A on transcript NM_019066.5 (MANE Select); coding-DNA position 3502, G replaced by A.
Protein change: p.Glu1168Lys; replaces glutamic acid 1168 with lysine.
Molecular consequence: missense variant.
Genome position (GRCh38, 1-based): chr15:23,644,241, C>T on the plus strand (G>A on the coding strand, the complement: MAGEL2 is on the minus strand). VCF-style: chr15-23644241-C-T. GRCh37 (hg19) VCF-style: chr15-23889388-C-T.
Other names: short protein forms E1168K.
Identifiers: ClinVar variation 2733203 (VCV002733203.3), dbSNP rs776641626, ClinGen allele CA391322799.